The following is an entry in ClinVar:

NM_002890.3(RASA1):c.1453+1G>T

Genes: CCNH (cyclin H; minus strand), RASA1 (RAS p21 protein activator 1; plus strand). Cytogenetic location: 5q14.3.
Variant type: single nucleotide variant.
Coding change: c.1453+1G>T on transcript NM_002890.3 (MANE Select); the canonical splice donor site of the intron after coding-DNA position 1453, G replaced by T.
Molecular consequence: splice donor variant. On other transcripts: intron variant (1).
Genome position (GRCh38, 1-based): chr5:87,362,672, G>T. VCF-style: chr5-87362672-G-T. GRCh37 (hg19) VCF-style: chr5-86658489-G-T.
Other names: c.922+1G>T (NM_022650.3); c.933+32372C>A (NM_001364075.2).
Identifiers: ClinVar variation 449619 (VCV000449619.4), dbSNP rs1554047949, ClinGen allele CA360368200.

ClinVar aggregate classification (germline): Pathogenic (1 of 4 stars; one submission).

Submission:

GeneDx
Classification: Pathogenic. Last evaluated: 2015-11-24. Review status: criteria provided, single submitter. Criteria: GeneDx Variant Classification (06012015). Collection method: clinical testing. Allele origin: germline. Affected: yes.
Comment: The c.1453+1G>T pathogenic variant in the RASA gene has not been reported previously as a pathogenic variant nor as a benign variant, to our knowledge. This splice site variant destroys the canonical splice donor site in intron 10. It is predicted to cause abnormal gene splicing, either leading to an abnormal message that is subject to nonsense-mediated mRNA decay, or to an abnormal protein product if the message is used for protein translation. The c.1453+1G>T variant was not observed in approximately 6500 individuals of European and African American ancestry in the NHLBI Exome Sequencing Project, indicating it is not a common benign variant in these populations. We interpret c.1453+1G>T as a pathogenic variant